The following is an entry in ClinVar:

ClinVar aggregate classification (germline): Uncertain significance (1 of 4 stars; one submission).

Conditions:
Cardiovascular phenotype. Identifiers: MedGen CN230736.

Submission:

Ambry Genetics
Classification: Uncertain significance for Cardiovascular phenotype. Last evaluated: 2024-11-05. Review status: criteria provided, single submitter. Criteria: Ambry Variant Classification Scheme 2023. Collection method: clinical testing. Allele origin: germline.
Comment: The c.769_770delGCinsTT variant (also known as p.A257L), located in coding exon 4 of the SNTA1 gene, results from an in-frame deletion of GC and insertion of TT at nucleotide positions 769 to 770. This results in the substitution of the alanine residue for a leucine residue at codon 257, an amino acid with similar properties. This amino acid position is highly conserved in available vertebrate species. In addition, the in silico prediction for this alteration is inconclusive (Choi Y et al. PLoS ONE. 2012; 7(10):e46688). The evidence for this gene-disease relationship is limited; therefore, the clinical significance of this alteration is unclear.

NM_003098.3(SNTA1):c.769_770delinsTT (p.Ala257Leu)

Gene: SNTA1 (syntrophin alpha 1; minus strand). Cytogenetic location: 20q11.21.
Variant type: Indel.
Coding change: c.769_770delinsTT on transcript NM_003098.3 (MANE Select); coding-DNA positions 769 to 770, GC replaced by TT.
Protein change: p.Ala257Leu; replaces alanine 257 with leucine.
Molecular consequence: missense variant.
Genome position (GRCh38, 1-based): chr20:33,412,714-33,412,715, GC replaced by AA on the plus strand (GC replaced by TT on the coding strand, the reverse complement: SNTA1 is on the minus strand). VCF-style: chr20-33412714-GC-AA. GRCh37 (hg19) VCF-style: chr20-32000520-GC-AA.
Other names: c.769_770delinsTT, p.Ala257Leu (NM_001424413.1, NM_001424414.1); short protein forms A257L.
Identifiers: ClinVar variation 3446795 (VCV003446795.1).